The following is an entry in ClinVar:

NM_001829.4(CLCN3):c.1285C>A (p.Leu429Met)

Gene: CLCN3 (chloride voltage-gated channel 3; plus strand). Cytogenetic location: 4q33.
Variant type: single nucleotide variant.
Coding change: c.1285C>A on transcript NM_001829.4 (MANE Select); coding-DNA position 1285, C replaced by A.
Protein change: p.Leu429Met; replaces leucine 429 with methionine.
Molecular consequence: missense variant.
Genome position (GRCh38, 1-based): chr4:169,697,456, C>A. VCF-style: chr4-169697456-C-A. GRCh37 (hg19) VCF-style: chr4-170618607-C-A.
Other names: c.1204C>A, p.Leu402Met (NM_001243372.2, NM_001243374.2); c.1285C>A, p.Leu429Met (NM_173872.4); short protein forms L402M, L429M.
Identifiers: ClinVar variation 3775203 (VCV003775203.1).

ClinVar aggregate classification (germline): Uncertain significance (1 of 4 stars; one submission).

Conditions:
Neurodevelopmental disorder with hypotonia and brain abnormalities. Identifiers: MedGen C5561977, MONDO:0859187, OMIM 619512.

Submission:

3billion
Classification: Uncertain significance for Neurodevelopmental disorder with hypotonia and brain abnormalities. Last evaluated: 2023-12-28. Review status: criteria provided, single submitter. Criteria: ACMG Guidelines, 2015. Collection method: clinical testing. Allele origin: germline. Affected: yes.
Comment: The variant is not observed in the gnomAD v2.1.1 dataset. Predicted Consequence/Location: Missense changes are a common disease-causing mechanism. Therefore, this variant is classified as VUS according to the recommendation of ACMG/AMP guideline.